The following is an entry in ClinVar:

ClinVar aggregate classification (germline): Uncertain significance. Review status: criteria provided, multiple submitters, no conflicts (2 of 4 stars). 4 submissions from 4 submitters: Uncertain significance (3). 1 of the submissions does not count toward it. Last evaluated 2025-08-20.

Conditions:
Hereditary spastic paraplegia 48. Also called: Spastic paraplegia 48; SPASTIC PARAPLEGIA 48, AUTOSOMAL RECESSIVE. Identifiers: Orphanet 306511, MedGen C3150901, MONDO:0013342, OMIM 613647.
Retinal dystrophy. Also called: Inherited retinal dystrophy. Identifiers: Orphanet 71862, MedGen C0854723, MeSH D058499, MONDO:0019118, HP:0000556.
Inborn genetic diseases. Identifiers: MedGen C0950123, MeSH D030342.

gnomAD v4.1: 12 of 1,613,504 alleles (0.00074%); highest among the groups gnomAD compares: South Asian, 0.0011%; no homozygotes.

Submissions (4):

Labcorp Genetics (formerly Invitae), Labcorp
Classification: Uncertain significance for Hereditary spastic paraplegia 48. Last evaluated: 2025-08-20. Review status: criteria provided, single submitter. Criteria: Invitae Variant Classification Sherloc (09022015). Collection method: clinical testing. Allele origin: germline.
Comment: This sequence change replaces threonine, which is neutral and polar, with isoleucine, which is neutral and non-polar, at codon 394 of the AP5Z1 protein (p.Thr394Ile). This variant is not present in population databases (gnomAD no frequency). This variant has not been reported in the literature in individuals affected with AP5Z1-related conditions. ClinVar contains an entry for this variant (Variation ID: 3249306). Invitae Evidence Modeling of protein sequence and biophysical properties (such as structural, functional, and spatial information, amino acid conservation, physicochemical variation, residue mobility, and thermodynamic stability) indicates that this missense variant is not expected to disrupt AP5Z1 protein function with a negative predictive value of 80%. In summary, the available evidence is currently insufficient to determine the role of this variant in disease. Therefore, it has been classified as a Variant of Uncertain Significance.

Ambry Genetics
Classification: Uncertain significance for Inborn genetic diseases. Last evaluated: 2025-02-11. Review status: criteria provided, single submitter. Criteria: Ambry Variant Classification Scheme 2023. Collection method: clinical testing. Allele origin: germline.

Blueprint Genetics
Classification: Uncertain significance. Last evaluated: 2024-10-30. Review status: criteria provided, single submitter. Criteria: ACMG Guidelines, 2015. Collection method: clinical testing. Allele origin: germline.

Institute of Human Genetics, Univ. Regensburg, Univ. Regensburg
Classification: Uncertain significance for Retinal dystrophy. Last evaluated: 2022-01-01. Review status: no assertion criteria provided. Criteria: ACMG Guidelines, 2015. Collection method: clinical testing. Allele origin: germline. Affected: yes. Not counted in ClinVar's aggregate classification.

NM_014855.3(AP5Z1):c.1181C>T (p.Thr394Ile)

Gene: AP5Z1 (adaptor related protein complex 5 subunit zeta 1; plus strand). Cytogenetic location: 7p22.1.
Variant type: single nucleotide variant.
Coding change: c.1181C>T on transcript NM_014855.3 (MANE Select); coding-DNA position 1181, C replaced by T.
Protein change: p.Thr394Ile; replaces threonine 394 with isoleucine.
Molecular consequence: missense variant. On other transcripts: non-coding transcript variant (1).
Genome position (GRCh38, 1-based): chr7:4,786,298, C>T. VCF-style: chr7-4786298-C-T. GRCh37 (hg19) VCF-style: chr7-4825929-C-T.
Other names: c.713C>T, p.Thr238Ile (NM_001364858.1); c.1181C>T (NM_014855.2); short protein forms T238I, T394I.
Identifiers: ClinVar variation 3249306 (VCV003249306.5).